The following is an entry in ClinVar:

NM_000540.3(RYR1):c.12100GTG[1] (p.Val4035del)

Gene: RYR1 (ryanodine receptor 1; plus strand). Cytogenetic location: 19q13.2.
Variant type: Microsatellite.
Coding change: c.12100GTG[1] on transcript NM_000540.3 (MANE Select); one copy of the 3-base unit GTG starting at c.12100; the reference has two copies in a row; one copy, 3 bases deleted.
Protein change: p.Val4035del; deletes valine 4035.
Molecular consequence: inframe deletion.
Genome position (GRCh38, 1-based): chr19:38,548,241-38,548,243, GTG deleted; deleting any 3 consecutive bases within chr19:38,548,238-38,548,243 gives the same sequence; the position shown is the placement nearest the transcript's 3' end. VCF-style (leftmost placement, unchanged base first): chr19-38548237-CGTG-C. GRCh37 (hg19) VCF-style: chr19-39038877-CGTG-C.
Other names: c.12085GTG[1], p.Val4030del (NM_001042723.2); short protein forms V4030del, V4035del.
Identifiers: ClinVar variation 3071950 (VCV003071950.1), dbSNP rs924929395, ClinGen allele CA308095752.

ClinVar aggregate classification (germline): Uncertain significance (1 of 4 stars; one submission).

Conditions:
Malignant hyperthermia, susceptibility to, 1 (MHS1). Also called: Anesthesia related hyperthermia; Malignant hyperpyrexia; Fulminating hyperpyrexia; Pharmacogenic myopathy; RYR1-Related Malignant Hyperthermia Susceptibility; Malignant hyperthermia suceptibility 1. Identifiers: Orphanet 423, MedGen C2930980, MONDO:0007783, OMIM 145600.

Submission:

All of Us Research Program, National Institutes of Health
Classification: Uncertain significance for Malignant hyperthermia, susceptibility to, 1. Last evaluated: 2023-06-26. Review status: criteria provided, single submitter. Criteria: ACMG Guidelines, 2015. Collection method: clinical testing. Allele origin: germline. Inheritance: Autosomal dominant inheritance. Observed: 1 variant allele, 1 heterozygote.
Comment: This variant results in the deletion of one amino acid at codon 4035 of the RYR1 protein. To our knowledge, functional studies have not been reported for this variant. This variant has not been reported in individuals affected with RYR1-related disorders in the literature. This variant has not been identified in the general population by the Genome Aggregation Database (gnomAD). The available evidence is insufficient to determine the role of this variant in disease conclusively. Therefore, this variant is classified as a Variant of Uncertain Significance.

This study involves interpretation of variants in research participants for the purpose of population health screening. Participant phenotype was not available at the time of variant classification. Additional details can be found in publication PMID: 35346344, PMCID: PMC8962531